The following is an entry in ClinVar:

ClinVar aggregate classification (germline): Pathogenic/Likely pathogenic. Review status: criteria provided, multiple submitters, no conflicts (2 of 4 stars). 2 submissions from 2 submitters: Pathogenic (1); Likely pathogenic (1). Last evaluated 2023-06-23.

Conditions:
Severe combined immunodeficiency due to DCLRE1C deficiency (RS-SCID). Also called: SCID, AUTOSOMAL RECESSIVE, T CELL-NEGATIVE, B CELL-NEGATIVE, NK CELL-POSITIVE, WITH SENSITIVITY TO IONIZING RADIATION. Identifiers: Orphanet 275, MedGen C1865371, MONDO:0011225, OMIM 602450.
Histiocytic medullary reticulosis. Also called: SEVERE COMBINED IMMUNODEFICIENCY WITH HYPEREOSINOPHILIA; Omenn syndrome. Identifiers: Orphanet 39041, MedGen C2700553, MONDO:0011338, OMIM 603554.

Submissions (2):

Labcorp Genetics (formerly Invitae), Labcorp
Classification: Pathogenic for Athabaskan severe combined immunodeficiency. Last evaluated: 2023-06-23. Review status: criteria provided, single submitter. Criteria: Invitae Variant Classification Sherloc (09022015). Collection method: clinical testing. Allele origin: germline.
Comment: This variant is not present in population databases (gnomAD no frequency). This sequence change creates a premature translational stop signal (p.Ser62Aspfs*2) in the DCLRE1C gene. It is expected to result in an absent or disrupted protein product. Loss-of-function variants in DCLRE1C are known to be pathogenic (PMID: 21664875, 26123418). This variant has not been reported in the literature in individuals affected with DCLRE1C-related conditions. For these reasons, this variant has been classified as Pathogenic.

Baylor Genetics
Classification: Likely pathogenic for Histiocytic medullary reticulosis. Last evaluated: 2022-04-09. Review status: criteria provided, single submitter. Criteria: ACMG Guidelines, 2015. Collection method: clinical testing. Allele origin: unknown.

Literature cited by the submitters: PubMed 21664875 (cited by Labcorp Genetics (formerly Invitae), Labcorp); PubMed 26123418 (cited by Labcorp Genetics (formerly Invitae), Labcorp).

NM_001033855.3(DCLRE1C):c.184_191del (p.Ser62fs)

Gene: DCLRE1C (DNA cross-link repair 1C; minus strand). Cytogenetic location: 10p13.
Variant type: Deletion.
Coding change: c.184_191del on transcript NM_001033855.3 (MANE Select); coding-DNA positions 184 to 191, 8 bases deleted (TCACCTGT; older notation c.184_191delTCACCTGT).
Protein change: p.Ser62fs; shifts the reading frame from serine 62.
Molecular consequence: frameshift variant. On other transcripts: 5 prime UTR variant (8), non-coding transcript variant (4), intron variant (1).
Genome position (GRCh38, 1-based): chr10:14,945,160-14,945,167, ACAGGTGA deleted on the plus strand (TCACCTGT on the coding strand, the reverse complement: DCLRE1C is on the minus strand); deleting any 8 consecutive bases within chr10:14,945,160-14,945,171 gives the same sequence; the c. name uses the placement nearest the transcript's 3' end. VCF-style (leftmost placement, unchanged base first): chr10-14945159-CACAGGTGA-C. GRCh37 (hg19) VCF-style: chr10-14987158-CACAGGTGA-C.
Other names: c.-177_-170del (NM_001033857.3, NM_001289077.2, NM_001350967.2); c.-499_-492del (NM_001033858.3, NM_001289079.2); c.-106_-99del (NM_001289078.2, NM_001350966.2, NM_022487.4); c.184_191del, p.Ser62fs (NM_001350965.2); c.-44+3869_-44+3876del (NM_001289076.2); short protein forms S62fs.
Identifiers: ClinVar variation 2674764 (VCV002674764.4), dbSNP rs1460843145, ClinGen allele CA662150352.